The following is an entry in ClinVar:

ClinVar aggregate classification (germline): Uncertain significance. Review status: criteria provided, single submitter (1 of 4 stars). 2 submissions from 2 submitters: Uncertain significance (1). 1 of the submissions does not count toward it. Last evaluated 2023-04-14.

Conditions:
ATP1A1-related disorder. Also called: ATP1A1-related condition.

gnomAD v4.1: 2 of 1,613,380 alleles (0.00012%); highest among the groups gnomAD compares: African/African-American, 0.0013%; no homozygotes.

Submissions (2):

GeneDx
Classification: Uncertain significance. Last evaluated: 2023-04-14. Review status: criteria provided, single submitter. Criteria: GeneDx Variant Classification Process June 2021. Collection method: clinical testing. Allele origin: germline. Affected: yes.
Comment: Not observed at significant frequency in large population cohorts (gnomAD); In silico analysis supports that this missense variant has a deleterious effect on protein structure/function; Has not been previously published as pathogenic or benign to our knowledge

PreventionGenetics, part of Exact Sciences
Classification: Uncertain significance for ATP1A1-related condition. Last evaluated: 2024-04-04. Review status: no assertion criteria provided. Collection method: clinical testing. Allele origin: germline. Not counted in ClinVar's aggregate classification.
Comment: The ATP1A1 c.2021C>T variant is predicted to result in the amino acid substitution p.Thr674Ile. To our knowledge, this variant has not been reported in the literature or in a large population database, indicating this variant is rare. Alternative variant at the same codon p.Thr674Ser was observed de novo in an individual affected by intellectual disability, refractory seizures and renal hypomagnesemia (Table 1, Chevarin et al 2020. PubMed ID: 32277047). At this time, the clinical significance of this variant is uncertain due to the absence of conclusive functional and genetic evidence.

NM_000701.8(ATP1A1):c.2021C>T (p.Thr674Ile)

Genes: ATP1A1 (ATPase Na+/K+ transporting subunit alpha 1; plus strand), ATP1A1-AS1 (ATP1A1 antisense RNA 1; minus strand). Cytogenetic location: 1p13.1.
Variant type: single nucleotide variant.
Coding change: c.2021C>T on transcript NM_000701.8 (MANE Select); coding-DNA position 2021, C replaced by T.
Protein change: p.Thr674Ile; replaces threonine 674 with isoleucine.
Molecular consequence: missense variant.
Genome position (GRCh38, 1-based): chr1:116,397,935, C>T. VCF-style: chr1-116397935-C-T. GRCh37 (hg19) VCF-style: chr1-116940557-C-T.
Other names: c.2021C>T, p.Thr674Ile (NM_001160233.2); c.1928C>T, p.Thr643Ile (NM_001160234.2); c.2021C>T (NM_000701.7); short protein forms T643I, T674I.
Identifiers: ClinVar variation 3253274 (VCV003253274.2), dbSNP rs1570973191.